The following is an entry in ClinVar:

ClinVar aggregate classification (germline): Uncertain significance. Review status: criteria provided, multiple submitters, no conflicts (2 of 4 stars). 2 submissions from 2 submitters: Uncertain significance (2). Last evaluated 2020-11-17.

Conditions:
Duchenne muscular dystrophy (DMD). Also called: MUSCULAR DYSTROPHY, PSEUDOHYPERTROPHIC PROGRESSIVE, DUCHENNE TYPE; Duchenne Muscular Dystrophy (DMD). Identifiers: Orphanet 98896, MedGen C0013264, MONDO:0010679, OMIM 310200.

Submissions (2):

Labcorp Genetics (formerly Invitae), Labcorp
Classification: Uncertain significance for Duchenne muscular dystrophy. Last evaluated: 2020-11-17. Review status: criteria provided, single submitter. Criteria: Invitae Variant Classification Sherloc (09022015). Collection method: clinical testing. Allele origin: germline.
Comment: In summary, the available evidence is currently insufficient to determine the role of this variant in disease. Therefore, it has been classified as a Variant of Uncertain Significance. Algorithms developed to predict the effect of missense changes on protein structure and function (SIFT, PolyPhen-2, Align-GVGD) all suggest that this variant is likely to be tolerated, but these predictions have not been confirmed by published functional studies and their clinical significance is uncertain. This variant has not been reported in the literature in individuals with DMD-related conditions. ClinVar contains an entry for this variant (Variation ID: 502162). This variant is not present in population databases (ExAC no frequency). This sequence change replaces isoleucine with phenylalanine at codon 872 of the DMD protein (p.Ile872Phe). The isoleucine residue is moderately conserved and there is a small physicochemical difference between isoleucine and phenylalanine.

Eurofins Ntd Llc (ga)
Classification: Uncertain significance. Last evaluated: 2017-05-23. Review status: criteria provided, single submitter. Criteria: EGL Classification Definitions 2015. Collection method: clinical testing. Allele origin: germline. Observed: 1 variant allele, 1 heterozygote.

NM_004006.3(DMD):c.2614A>T (p.Ile872Phe)

Gene: DMD (dystrophin; minus strand). Cytogenetic location: Xp21.1.
Variant type: single nucleotide variant.
Coding change: c.2614A>T on transcript NM_004006.3 (MANE Select); coding-DNA position 2614, A replaced by T.
Protein change: p.Ile872Phe; replaces isoleucine 872 with phenylalanine.
Molecular consequence: missense variant.
Genome position (GRCh38, 1-based): chrX:32,491,285, T>A on the plus strand (A>T on the coding strand, the complement: DMD is on the minus strand). VCF-style: chrX-32491285-T-A. GRCh37 (hg19) VCF-style: chrX-32509402-T-A.
Other names: c.2590A>T, p.Ile864Phe (NM_000109.4); c.2602A>T, p.Ile868Phe (NM_004009.3); c.2245A>T, p.Ile749Phe (NM_004010.3); short protein forms I872F, I749F, I868F, I864F.
Identifiers: ClinVar variation 502162 (VCV000502162.13), dbSNP rs1557383485, ClinGen allele CA412671822.